The following is an entry in ClinVar:

ClinVar aggregate classification (germline): Conflicting classifications of pathogenicity. Review status: criteria provided, conflicting classifications (1 of 4 stars). 3 submissions from 3 submitters: Likely pathogenic (2); Uncertain significance (1). Last evaluated 2025-02-21.

Conditions:
ABCA4-related disorder. Also called: ABCA4-related disorders; ABCA4-related condition. Identifiers: MedGen CN239167.
Stargardt disease (FFM). Also called: Stargardt's disease; Fundus flavimaculatus. Identifiers: Orphanet 827, MedGen C0271093, MONDO:0019353.

Allele frequency attached by ClinVar (database versions not stated): TOPMed below 0.00001.

Submissions (3):

Women's Health and Genetics/Laboratory Corporation of America, LabCorp
Classification: Likely pathogenic for Stargardt disease. Last evaluated: 2025-02-21. Review status: criteria provided, single submitter. Criteria: LabCorp Variant Classification Summary - May 2015. Collection method: clinical testing. Allele origin: germline.
Comment: Variant summary: ABCA4 c.2069G>T (p.Gly690Val) results in a non-conservative amino acid change located in the ABC-2 family transporter protein domain (IPR013525) of the encoded protein sequence. Five of five in-silico tools predict a damaging effect of the variant on protein function. The variant was absent in 251220 control chromosomes. c.2069G>T has been reported in the literature in individuals affected with Stargardt Disease as a compound heterozygous or unknown genotype or in an individual with an inherited retinal disorder with uninformative genotype (e.g. Passerini_2010, Stenirri_2004, Melillo_2018, Cornelius_2022, Lin_2024). These data indicate that the variant may be associated with disease. At least one publication reports experimental evidence evaluating an impact on protein function. The most pronounced variant effect results in 30%-50% of normal ATPase activity and reduced solubilization compared to WT (e.g. Garces_2021). A different variant located at the same codon (c.2069G>A, p.Gly690Asp) has been classified as pathogenic in ClinVar, supporting a critical relevance of this residue to ABCA4 protein function. The following publications have been ascertained in the context of this evaluation (PMID: 19265867, 15192030, 29625472, 35120629, 38219857, 33375396). ClinVar contains an entry for this variant (Variation ID: 1219510). Based on the evidence outlined above, the variant was classified as likely pathogenic.

GeneDx
Classification: Uncertain significance. Last evaluated: 2020-12-22. Review status: criteria provided, single submitter. Criteria: GeneDx Variant Classification Process June 2021. Collection method: clinical testing. Allele origin: germline. Affected: yes.
Comment: Not observed in large population cohorts (Lek et al., 2016); In silico analysis supports that this missense variant has a deleterious effect on protein structure/function; This variant is associated with the following publications: (PMID: 15192030)

Blueprint Genetics
Classification: Likely pathogenic for ABCA4-related disorders. Last evaluated: 2020-07-08. Review status: criteria provided, single submitter. Criteria: ACMG Guidelines, 2015. Collection method: clinical testing. Allele origin: germline. Affected: yes. Observed: 3 variant alleles.

Literature cited by the submitters: PubMed 33375396 (cited by Women's Health and Genetics/Laboratory Corporation of America, LabCorp); PubMed 19265867 (cited by Women's Health and Genetics/Laboratory Corporation of America, LabCorp); PubMed 35120629 (cited by Women's Health and Genetics/Laboratory Corporation of America, LabCorp); PubMed 15192030 (cited by Women's Health and Genetics/Laboratory Corporation of America, LabCorp); PubMed 38219857 (cited by Women's Health and Genetics/Laboratory Corporation of America, LabCorp); PubMed 29625472 (cited by Women's Health and Genetics/Laboratory Corporation of America, LabCorp).

NM_000350.3(ABCA4):c.2069G>T (p.Gly690Val)

Gene: ABCA4 (ATP binding cassette subfamily A member 4; minus strand). Cytogenetic location: 1p22.1.
Variant type: single nucleotide variant.
Coding change: c.2069G>T on transcript NM_000350.3 (MANE Select); coding-DNA position 2069, G replaced by T.
Protein change: p.Gly690Val; replaces glycine 690 with valine.
Molecular consequence: missense variant.
Genome position (GRCh38, 1-based): chr1:94,060,628, C>A on the plus strand (G>T on the coding strand, the complement: ABCA4 is on the minus strand). VCF-style: chr1-94060628-C-A. GRCh37 (hg19) VCF-style: chr1-94526184-C-A.
Other names: c.2069G>T, p.Gly690Val (NM_001425324.1); short protein forms G690V.
Identifiers: ClinVar variation 1219510 (VCV001219510.5), dbSNP rs942734318, ClinGen allele CA341278608.